The following is an entry in ClinVar:

ClinVar aggregate classification (germline): Uncertain significance (1 of 4 stars; one submission).

Conditions:
Mucopolysaccharidosis type 1. Also called: IDUA deficiency; MPS I. Identifiers: Orphanet 579, MedGen C0023786, MONDO:0001586.

Allele frequency attached by ClinVar (database versions not stated): gnomAD 0.00001; gnomAD exomes 0.00001.
gnomAD v4.1: 6 of 1,612,994 alleles (0.00037%); highest among the groups gnomAD compares: Admixed American, 0.0083%; no homozygotes.

Submission:

Labcorp Genetics (formerly Invitae), Labcorp
Classification: Uncertain significance for Mucopolysaccharidosis type 1. Last evaluated: 2022-06-20. Review status: criteria provided, single submitter. Criteria: Invitae Variant Classification Sherloc (09022015). Collection method: clinical testing. Allele origin: germline.
Comment: This sequence change replaces serine, which is neutral and polar, with phenylalanine, which is neutral and non-polar, at codon 339 of the IDUA protein (p.Ser339Phe). This variant is present in population databases (no rsID available, gnomAD 0.009%). This variant has not been reported in the literature in individuals affected with IDUA-related conditions. Advanced modeling of protein sequence and biophysical properties (such as structural, functional, and spatial information, amino acid conservation, physicochemical variation, residue mobility, and thermodynamic stability) performed at Invitae indicates that this missense variant is expected to disrupt IDUA protein function. In summary, the available evidence is currently insufficient to determine the role of this variant in disease. Therefore, it has been classified as a Variant of Uncertain Significance.

NM_000203.5(IDUA):c.1016C>T (p.Ser339Phe)

Gene: IDUA (alpha-L-iduronidase; plus strand). Cytogenetic location: 4p16.3.
Variant type: single nucleotide variant.
Coding change: c.1016C>T on transcript NM_000203.5 (MANE Select); coding-DNA position 1016, C replaced by T.
Protein change: p.Ser339Phe; replaces serine 339 with phenylalanine.
Molecular consequence: missense variant. On other transcripts: non-coding transcript variant (1).
Genome position (GRCh38, 1-based): chr4:1,002,312, C>T. VCF-style: chr4-1002312-C-T. GRCh37 (hg19) VCF-style: chr4-996100-C-T.
Other names: c.620C>T, p.Ser207Phe (NM_001363576.1); short protein forms S207F, S339F.
Identifiers: ClinVar variation 2414005 (VCV002414005.4), dbSNP rs1421727441, ClinGen allele CA355963058.
Genomic context (GRCh38, chr4:1,002,312, plus strand): 5'-GCCCTGGACACCCGCAGGTCATCGCGCAGCATCAGAACCTGCTACTGGCCAACACCACCT[C>T]CGCCTTCCCCTACGCGCTCCTGAGCAACGACAATGCCTTCCTGAGCTACCACCCGCACCC-3'
Protein context (NP_000194.2, residues 329-349): HQNLLLANTT[Ser339Phe]AFPYALLSND